The following is an entry in ClinVar:

NM_000466.3(PEX1):c.269del (p.Gly90fs)

Gene: PEX1 (peroxisomal biogenesis factor 1; minus strand). Cytogenetic location: 7q21.2.
Variant type: Deletion.
Coding change: c.269del on transcript NM_000466.3 (MANE Select); coding-DNA position 269, one base deleted (G; older notation c.269delG).
Protein change: p.Gly90fs; shifts the reading frame from glycine 90.
Molecular consequence: frameshift variant. On other transcripts: 5 prime UTR variant (1).
Genome position (GRCh38, 1-based): chr7:92,522,106, C deleted on the plus strand (G on the coding strand, the reverse complement: PEX1 is on the minus strand); the first of 5 consecutive C bases (chr7:92,522,106-92,522,110); deleting any one gives the same sequence. VCF-style (leftmost placement, unchanged base first): chr7-92522105-TC-T. GRCh37 (hg19) VCF-style: chr7-92151419-TC-T.
Other names: c.269del, p.Gly90fs (NM_001282677.2); c.-391del (NM_001282678.2); short protein forms G90fs.
Identifiers: ClinVar variation 1455751 (VCV001455751.7), dbSNP rs1275822594, ClinGen allele CA576309206.
Genomic context (GRCh38, chr7:92,522,105, plus strand): 5'-TTCTATTGCTATATTATGTGATATTAGAAGAAAGTTATTGCCATCACATGTGCTTACCTG[TC>T]CCCCATTTGAGAGTCCAAGTTTTTGACCAACTTGTCTGTTAATTTCAGCCACATTTTCAC-3'

ClinVar aggregate classification (germline): Pathogenic/Likely pathogenic. Review status: criteria provided, multiple submitters, no conflicts (2 of 4 stars). 2 submissions from 2 submitters: Pathogenic (1); Likely pathogenic (1). Last evaluated 2023-03-31.

Conditions:
Heimler syndrome 1 (HMLR1). Also called: PEROXISOME BIOGENESIS DISORDER 1C. Identifiers: Orphanet 3220, MedGen C4551980, OMIM 234580, MONDO:0024544.
Zellweger spectrum disorders (ZS). Also called: Zellweger Spectrum Disorder; Zellweger Spectrum; Zellweger Spectrum Disorder (ZSD); Zellweger syndrome. Identifiers: Orphanet 912, MedGen C0043459, MONDO:0019609.

Submissions (2):

Baylor Genetics
Classification: Likely pathogenic for Heimler syndrome 1. Last evaluated: 2023-03-31. Review status: criteria provided, single submitter. Criteria: ACMG Guidelines, 2015. Collection method: clinical testing. Allele origin: unknown.

Labcorp Genetics (formerly Invitae), Labcorp
Classification: Pathogenic for Zellweger spectrum disorders. Last evaluated: 2021-10-18. Review status: criteria provided, single submitter. Criteria: Invitae Variant Classification Sherloc (09022015). Collection method: clinical testing. Allele origin: germline.
Comment: This variant has not been reported in the literature in individuals affected with PEX1-related conditions. This sequence change creates a premature translational stop signal (p.Gly90Aspfs*42) in the PEX1 gene. It is expected to result in an absent or disrupted protein product. Loss-of-function variants in PEX1 are known to be pathogenic (PMID: 9398847, 16086329, 16141001, 21031596, 26387595, 31831025). This variant is not present in population databases (ExAC no frequency). For these reasons, this variant has been classified as Pathogenic.

Literature cited by the submitters: PubMed 9398847 (cited by Labcorp Genetics (formerly Invitae), Labcorp); PubMed 16086329 (cited by Labcorp Genetics (formerly Invitae), Labcorp); PubMed 16141001 (cited by Labcorp Genetics (formerly Invitae), Labcorp); PubMed 21031596 (cited by Labcorp Genetics (formerly Invitae), Labcorp); PubMed 26387595 (cited by Labcorp Genetics (formerly Invitae), Labcorp); PubMed 31831025 (cited by Labcorp Genetics (formerly Invitae), Labcorp).